The following is an entry in ClinVar:

NM_001291303.3(FAT4):c.11088G>A (p.Thr3696=)

Gene: FAT4 (FAT atypical cadherin 4; plus strand). Cytogenetic location: 4q28.1.
Variant type: single nucleotide variant.
Coding change: c.11088G>A on transcript NM_001291303.3 (MANE Select); coding-DNA position 11088, G replaced by A.
Protein change: p.Thr3696=; no amino-acid change (threonine 3696 retained).
Molecular consequence: synonymous variant.
Genome position (GRCh38, 1-based): chr4:125,452,098, G>A. VCF-style: chr4-125452098-G-A. GRCh37 (hg19) VCF-style: chr4-126373253-G-A.
Other names: c.11088G>A, p.Thr3696= (NM_001291285.3); c.11082G>A, p.Thr3694= (NM_024582.6).
Identifiers: ClinVar variation 1581542 (VCV001581542.24), dbSNP rs368928868, ClinGen allele CA3073786.

ClinVar aggregate classification (germline): Likely benign. Review status: criteria provided, multiple submitters, no conflicts (2 of 4 stars). 2 submissions from 2 submitters: Likely benign (2). Last evaluated 2026-04-01.

Allele frequency attached by ClinVar (database versions not stated): TOPMed 0.00005; ESP Exome Variant Server 0.00008.
gnomAD v4.1: 135 of 1,614,012 alleles (0.0084%); highest among the groups gnomAD compares: Non-Finnish European, 0.01%; no homozygotes.

Submissions (2):

CeGaT Center for Human Genetics Tuebingen
Classification: Likely benign. Last evaluated: 2026-04-01. Review status: criteria provided, single submitter. Criteria: CeGaT Center For Human Genetics Tuebingen Variant Classification Criteria Version 2. Collection method: clinical testing. Allele origin: germline. Affected: yes. Observed: 2 variant alleles.
Comment: FAT4: BP4, BP7

Labcorp Genetics (formerly Invitae), Labcorp
Classification: Likely benign. Last evaluated: 2026-01-27. Review status: criteria provided, single submitter. Criteria: Invitae Variant Classification Sherloc (09022015). Collection method: clinical testing. Allele origin: germline.